The following is an entry in ClinVar:

ClinVar aggregate classification (germline): Uncertain significance (1 of 4 stars; one submission).

Conditions:
Developmental and epileptic encephalopathy, 30 (DEE30). Also called: Epileptic encephalopathy, early infantile, 30. Identifiers: MedGen C4225360, MONDO:0014595, OMIM 616341.

Submission:

Labcorp Genetics (formerly Invitae), Labcorp
Classification: Uncertain significance for Developmental and epileptic encephalopathy, 30. Last evaluated: 2024-06-15. Review status: criteria provided, single submitter. Criteria: Invitae Variant Classification Sherloc (09022015). Collection method: clinical testing. Allele origin: germline.
Comment: This sequence change replaces tyrosine, which is neutral and polar, with cysteine, which is neutral and slightly polar, at codon 297 of the SIK1 protein (p.Tyr297Cys). This variant is not present in population databases (gnomAD no frequency). This variant has not been reported in the literature in individuals affected with SIK1-related conditions. Advanced modeling of protein sequence and biophysical properties (such as structural, functional, and spatial information, amino acid conservation, physicochemical variation, residue mobility, and thermodynamic stability) performed at Invitae indicates that this missense variant is not expected to disrupt SIK1 protein function with a negative predictive value of 95%. In summary, the available evidence is currently insufficient to determine the role of this variant in disease. Therefore, it has been classified as a Variant of Uncertain Significance.

NM_173354.5(SIK1):c.890A>G (p.Tyr297Cys)

Gene: SIK1 (salt inducible kinase 1; minus strand). Cytogenetic location: 21q22.3.
Variant type: single nucleotide variant.
Coding change: c.890A>G on transcript NM_173354.5 (MANE Select); coding-DNA position 890, A replaced by G.
Protein change: p.Tyr297Cys; replaces tyrosine 297 with cysteine.
Molecular consequence: missense variant.
Genome position (GRCh38, 1-based): chr21:43,420,316, T>C on the plus strand (A>G on the coding strand, the complement: SIK1 is on the minus strand). VCF-style: chr21-43420316-T-C. GRCh37 (hg19) VCF-style: chr21-44840196-T-C.
Other names: short protein forms Y297C.
Identifiers: ClinVar variation 3674732 (VCV003674732.2).
Genomic context (GRCh38, chr21:43,420,316, plus strand): 5'-ACGCCCAGGGTCTGCATGATACCCAGCGCCTGCTCATCGTAGTCGCCCAGGTTGGAGGTG[T>C]AGCTGTGTGCGGAGAAGGCGGGGCAGGCGGGTCCCGGCAAGCAGGGCTCAGCCCGCATCC-3'
Protein context (NP_775490.2, residues 287-307): PACPAFSAHS[Tyr297Cys]TSNLGDYDEQ